The following is an entry in ClinVar:

ClinVar aggregate classification (germline): Pathogenic (1 of 4 stars; one submission).

Conditions:
Fanconi anemia complementation group E (FANCE). Also called: FANCE-Related Fanconi Anemia. Identifiers: Orphanet 84, MedGen C3160739, MONDO:0010953, OMIM 600901.

Allele frequency attached by ClinVar (database versions not stated): gnomAD exomes below 0.00001.

Submission:

Labcorp Genetics (formerly Invitae), Labcorp
Classification: Pathogenic for Fanconi anemia complementation group E. Last evaluated: 2023-02-13. Review status: criteria provided, single submitter. Criteria: Invitae Variant Classification Sherloc (09022015). Collection method: clinical testing. Allele origin: germline.
Comment: This variant is not present in population databases (gnomAD no frequency). This sequence change creates a premature translational stop signal (p.Gln335*) in the FANCE gene. It is expected to result in an absent or disrupted protein product. Loss-of-function variants in FANCE are known to be pathogenic (PMID: 11001585, 17924555). For these reasons, this variant has been classified as Pathogenic. Algorithms developed to predict the effect of sequence changes on RNA splicing suggest that this variant may disrupt the consensus splice site. This variant has not been reported in the literature in individuals affected with FANCE-related conditions.

Literature cited by the submitters: PubMed 11001585; PubMed 17924555.

NM_021922.3(FANCE):c.1003C>T (p.Gln335Ter)

Gene: FANCE (FA complementation group E; plus strand). Cytogenetic location: 6p21.31.
Variant type: single nucleotide variant.
Coding change: c.1003C>T on transcript NM_021922.3 (MANE Select); coding-DNA position 1003, C replaced by T.
Protein change: p.Gln335Ter; replaces glutamine 335 with a stop codon.
Molecular consequence: nonsense.
Genome position (GRCh38, 1-based): chr6:35,458,330, C>T. VCF-style: chr6-35458330-C-T. GRCh37 (hg19) VCF-style: chr6-35426107-C-T.
Other names: c.1003C>T, p.Gln335Ter (NM_001410876.1); short protein forms Q335*.
Identifiers: ClinVar variation 2902359 (VCV002902359.3), dbSNP rs1767433090, ClinGen allele CA363775095.
Genomic context (GRCh38, chr6:35,458,330, plus strand): 5'-CTCTCTCCCCCCGCACTCTGTAAGCAGATGGACTTGCTGTGTGCCCAGCTGCAGCTCCCT[C>T]AGCTCTCAGACCTCGGTCTCCTGCGGCTCTGCACCTGGCTGCTGGCCCTTTCACCTGATC-3'